The following is an entry in ClinVar:

ClinVar aggregate classification (germline): Uncertain significance (1 of 4 stars; one submission).

Conditions:
Tuberous sclerosis 2 (TSC2). Identifiers: Orphanet 805, MedGen C1860707, MONDO:0013199, OMIM 613254.

Submission:

Labcorp Genetics (formerly Invitae), Labcorp
Classification: Uncertain significance for Tuberous sclerosis 2. Last evaluated: 2022-11-12. Review status: criteria provided, single submitter. Criteria: Invitae Variant Classification Sherloc (09022015). Collection method: clinical testing. Allele origin: germline.
Comment: Advanced modeling of protein sequence and biophysical properties (such as structural, functional, and spatial information, amino acid conservation, physicochemical variation, residue mobility, and thermodynamic stability) performed at Invitae indicates that this missense variant is not expected to disrupt TSC2 protein function. This sequence change replaces glutamic acid, which is acidic and polar, with lysine, which is basic and polar, at codon 158 of the TSC2 protein (p.Glu158Lys). This variant is not present in population databases (gnomAD no frequency). This variant has not been reported in the literature in individuals affected with TSC2-related conditions. ClinVar contains an entry for this variant (Variation ID: 666143). In summary, the available evidence is currently insufficient to determine the role of this variant in disease. Therefore, it has been classified as a Variant of Uncertain Significance.

NM_000548.5(TSC2):c.472G>A (p.Glu158Lys)

Gene: TSC2 (TSC complex subunit 2; plus strand). Cytogenetic location: 16p13.3.
Variant type: single nucleotide variant.
Coding change: c.472G>A on transcript NM_000548.5 (MANE Select); coding-DNA position 472, G replaced by A.
Protein change: p.Glu158Lys; replaces glutamic acid 158 with lysine.
Molecular consequence: missense variant. On other transcripts: intron variant (1).
Genome position (GRCh38, 1-based): chr16:2,054,431, G>A. VCF-style: chr16-2054431-G-A. GRCh37 (hg19) VCF-style: chr16-2104432-G-A.
Other names: c.472G>A, p.Glu158Lys (NM_001077183.3, NM_001114382.3, NM_001363528.2 and 3 more transcripts); c.361G>A, p.Glu121Lys (NM_001318827.2); c.325G>A, p.Glu109Lys (NM_001318829.2); c.505G>A, p.Glu169Lys (NM_001318832.2); c.-1-1765G>A (NM_001318831.2); short protein forms E109K, E121K, E158K, E169K.
Identifiers: ClinVar variation 666143 (VCV000666143.10), dbSNP rs1596265482, ClinGen allele CA394308554.